The following is an entry in ClinVar:

ClinVar aggregate classification (germline): Benign. Review status: criteria provided, multiple submitters, no conflicts (2 of 4 stars). 2 submissions from 2 submitters: Benign (2). Last evaluated 2018-01-13.

Conditions:
Parietal foramina 2 (PFM2). Identifiers: Orphanet 60015, MedGen C1865044, MONDO:0012309, OMIM 609597.

Allele frequency attached by ClinVar (database versions not stated): 1000 Genomes Project 0.01198; 1000 Genomes Project 30x 0.01202; TOPMed 0.02475.
gnomAD v4.1: 3,900 of 152,320 alleles (2.6%); highest among the groups gnomAD compares: Middle Eastern, 3.7%; 62 homozygotes.

Submissions (2):

Illumina Laboratory Services, Illumina
Classification: Benign for Parietal foramina 2. Last evaluated: 2018-01-13. Review status: criteria provided, single submitter. Criteria: ICSL Variant Classification Criteria 13 December 2019. Collection method: clinical testing. Allele origin: germline.
Comment: This variant was observed in the ICSL laboratory as part of a predisposition screen in an ostensibly healthy population. It had not been previously curated by ICSL or reported in the Human Gene Mutation Database (HGMD: prior to June 1st, 2018), and was therefore a candidate for classification through an automated scoring system. Utilizing variant allele frequency, disease prevalence and penetrance estimates, and inheritance mode, an automated score was calculated to assess if this variant is too frequent to cause the disease. Based on the score and internal cut-off values, a variant classified as benign is not then subjected to further curation. The score for this variant resulted in a classification of benign for this disease.

Breakthrough Genomics
Classification: Benign. Review status: criteria provided, single submitter. Criteria: ACMG Guidelines, 2015. Collection method: not provided. Allele origin: germline. Inheritance: Autosomal recessive inheritance. Affected: yes.

NM_021926.4(ALX4):c.*3405G>A

Gene: ALX4 (ALX homeobox 4; minus strand). Cytogenetic location: 11p11.2.
Variant type: single nucleotide variant.
Coding change: c.*3405G>A on transcript NM_021926.4 (MANE Select); 3405 bases downstream of the stop codon, G replaced by A.
Molecular consequence: 3 prime UTR variant.
Genome position (GRCh38, 1-based): chr11:44,261,449, C>T on the plus strand (G>A on the coding strand, the complement: ALX4 is on the minus strand). VCF-style: chr11-44261449-C-T. GRCh37 (hg19) VCF-style: chr11-44282999-C-T.
Other names: c.*3405G>A (LRG_1256t1).
Identifiers: ClinVar variation 304617 (VCV000304617.6), dbSNP rs7115841, ClinGen allele CA10634865.